The following is an entry in ClinVar:

ClinVar aggregate classification (germline): Uncertain significance. Review status: criteria provided, multiple submitters, no conflicts (2 of 4 stars). 2 submissions from 2 submitters: Uncertain significance (2). Last evaluated 2024-04-29.

Conditions:
Hereditary cancer-predisposing syndrome. Also called: Hereditary neoplastic syndrome; Neoplastic Syndromes, Hereditary; Hereditary Cancer Syndrome; Tumor predisposition. Identifiers: Orphanet 140162, MedGen C0027672, MeSH D009386, MONDO:0015356.
Gastrointestinal stromal tumor. Also called: Gastrointestinal stromal tumor, somatic; Gastrointestinal stroma tumor. Identifiers: Orphanet 44890, MedGen C0238198, MeSH D046152, MONDO:0011719, OMIM 606764, HP:0100723.

Submissions (2):

Ambry Genetics
Classification: Uncertain significance for Hereditary cancer-predisposing syndrome. Last evaluated: 2024-04-29. Review status: criteria provided, single submitter. Criteria: Ambry Variant Classification Scheme 2023. Collection method: clinical testing. Allele origin: germline.
Comment: The p.I119L variant (also known as c.355A>C), located in coding exon 2 of the PDGFRA gene, results from an A to C substitution at nucleotide position 355. The isoleucine at codon 119 is replaced by leucine, an amino acid with highly similar properties. This amino acid position is conserved. In addition, this alteration is predicted to be tolerated by in silico analysis. Since supporting evidence is limited at this time, the clinical significance of this alteration remains unclear.

Labcorp Genetics (formerly Invitae), Labcorp
Classification: Uncertain significance for Gastrointestinal stromal tumor. Last evaluated: 2019-08-15. Review status: criteria provided, single submitter. Criteria: Invitae Variant Classification Sherloc (09022015). Collection method: clinical testing. Allele origin: germline.
Comment: This variant is not present in population databases (ExAC no frequency). This sequence change replaces isoleucine with leucine at codon 119 of the PDGFRA protein (p.Ile119Leu). The isoleucine residue is moderately conserved and there is a small physicochemical difference between isoleucine and leucine. This variant has not been reported in the literature in individuals with PDGFRA-related conditions. Algorithms developed to predict the effect of missense changes on protein structure and function (SIFT, PolyPhen-2, Align-GVGD) all suggest that this variant is likely to be tolerated, but these predictions have not been confirmed by published functional studies and their clinical significance is uncertain. In summary, the available evidence is currently insufficient to determine the role of this variant in disease. Therefore, it has been classified as a Variant of Uncertain Significance.

NM_006206.6(PDGFRA):c.355A>C (p.Ile119Leu)

Gene: PDGFRA (platelet derived growth factor receptor alpha; plus strand). Cytogenetic location: 4q12.
Variant type: single nucleotide variant.
Coding change: c.355A>C on transcript NM_006206.6 (MANE Select); coding-DNA position 355, A replaced by C.
Protein change: p.Ile119Leu; replaces isoleucine 119 with leucine.
Molecular consequence: missense variant.
Genome position (GRCh38, 1-based): chr4:54,261,400, A>C. VCF-style: chr4-54261400-A-C. GRCh37 (hg19) VCF-style: chr4-55127567-A-C.
Other names: c.355A>C, p.Ile119Leu (NM_001347827.2, NM_001347829.2); c.430A>C, p.Ile144Leu (NM_001347828.2); c.394A>C, p.Ile132Leu (NM_001347830.2); short protein forms I144L, I132L, I119L.
Identifiers: ClinVar variation 954457 (VCV000954457.13), dbSNP rs1722708765, ClinGen allele CA356889084.